The following is an entry in ClinVar:

NM_001048174.2(MUTYH):c.507A>C (p.Leu169=)

Gene: MUTYH (mutY DNA glycosylase; minus strand). Cytogenetic location: 1p34.1.
Variant type: single nucleotide variant.
Coding change: c.507A>C on transcript NM_001048174.2 (MANE Select); coding-DNA position 507, A replaced by C.
Protein change: p.Leu169=; no amino-acid change (leucine 169 retained).
Molecular consequence: synonymous variant. On other transcripts: non-coding transcript variant (2).
Genome position (GRCh38, 1-based): chr1:45,332,673, T>G on the plus strand (A>C on the coding strand, the complement: MUTYH is on the minus strand). VCF-style: chr1-45332673-T-G. GRCh37 (hg19) VCF-style: chr1-45798345-T-G.
Other names: c.507A>C, p.Leu169= (NM_001048171.2, NM_001048173.2, NM_001293195.2); c.510A>C, p.Leu170= (NM_001048172.2); c.591A>C, p.Leu197= (NM_001128425.2); c.552A>C, p.Leu184= (NM_001293190.2); c.540A>C, p.Leu180= (NM_001293191.2); c.231A>C, p.Leu77= (NM_001293192.2, NM_001293196.2); c.162A>C, p.Leu54= (NM_001350650.2, NM_001350651.2); c.582A>C, p.Leu194= (NM_012222.3).
Identifiers: ClinVar variation 492051 (VCV000492051.20), dbSNP rs754061478, ClinGen allele CA058391.

ClinVar aggregate classification (germline): Likely benign. Review status: criteria provided, multiple submitters, no conflicts (2 of 4 stars). 6 submissions from 6 submitters: Likely benign (6). Last evaluated 2025-08-11.

Conditions:
Hereditary cancer-predisposing syndrome. Also called: Hereditary neoplastic syndrome; Hereditary Cancer Syndrome; Neoplastic Syndromes, Hereditary; Tumor predisposition. Identifiers: Orphanet 140162, MedGen C0027672, MeSH D009386, MONDO:0015356.
Familial adenomatous polyposis 2. Also called: MYH-associated polyposis; COLORECTAL ADENOMATOUS POLYPOSIS, AUTOSOMAL RECESSIVE; ADENOMAS, MULTIPLE COLORECTAL, AUTOSOMAL RECESSIVE; MUTYH-related attenuated familial adenomatous polyposis; Adenomas, multiple colorectal; FAP type 2. Identifiers: Orphanet 220460, Orphanet 247798, MedGen C3272841, MONDO:0012041, OMIM 608456.

Allele frequency attached by ClinVar (database versions not stated): gnomAD exomes below 0.00001 and 0.00001; ExAC 0.00001.
gnomAD v4.1: 2 of 1,614,132 alleles (0.00012%); highest among the groups gnomAD compares: Admixed American, 0.0033%; no homozygotes.

Submissions (6):

Labcorp Genetics (formerly Invitae), Labcorp
Classification: Likely benign for Familial adenomatous polyposis 2. Last evaluated: 2025-08-11. Review status: criteria provided, single submitter. Criteria: Invitae Variant Classification Sherloc (09022015). Collection method: clinical testing. Allele origin: germline.

Molecular Diagnostics Laboratory, Catalan Institute of Oncology
Classification: Likely benign for Hereditary cancer-predisposing syndrome. Last evaluated: 2024-09-08. Review status: criteria provided, single submitter. Criteria: ACMG Guidelines, 2015. Collection method: clinical testing. Allele origin: germline.
Comment: PM2_Supporting, BP4, BP7 c.591A>C, located in exon 8 of the MUTYH gene, is predicted to result in no splicing alteration (according to SpliceAI) and no amino acid change, p.(Leu197=) (BP4 and BP7). This variant is found in 2/236924 alleles at a frequency of 0.0008% in the gnomAD v2.1.1 database, non-cancer dataset (PM2_supporting). To our knowledge, neither relevant clinical data nor well-stablished functional studies have been reported for this variant. In addition, the variant has been identified in the ClinVar database (1x benign, 4x likely benign) and t is not present in the LOVD database. Based on currently available information, the variant c.591A>C should be considered a likely benign variant.

All of Us Research Program, National Institutes of Health
Classification: Likely benign for Familial adenomatous polyposis 2. Last evaluated: 2023-08-15. Review status: criteria provided, single submitter. Criteria: ACMG Guidelines, 2015. Collection method: clinical testing. Allele origin: germline. Inheritance: Autosomal recessive inheritance. Observed: 1 variant allele, 1 homozygote.
Comment: This study involves interpretation of variants in research participants for the purpose of population health screening. Participant phenotype was not available at the time of variant classification. Additional details can be found in publication PMID: 35346344, PMCID: PMC8962531

Quest Diagnostics Nichols Institute San Juan Capistrano
Classification: Likely benign. Last evaluated: 2023-05-18. Review status: criteria provided, single submitter. Criteria: Quest Diagnostics criteria. Collection method: clinical testing. Allele origin: unknown.

Ambry Genetics
Classification: Likely benign for Hereditary cancer-predisposing syndrome. Last evaluated: 2020-03-04. Review status: criteria provided, single submitter. Criteria: Ambry Variant Classification Scheme 2023. Collection method: clinical testing. Allele origin: germline.

Color Diagnostics, LLC DBA Color Health
Classification: Likely benign for Hereditary cancer-predisposing syndrome. Last evaluated: 2017-04-24. Review status: criteria provided, single submitter. Criteria: ACMG Guidelines, 2015. Collection method: clinical testing. Allele origin: germline.